The following is an entry in ClinVar:

NM_001040716.2(PC):c.2380G>C (p.Val794Leu)

Gene: PC (pyruvate carboxylase; minus strand). Cytogenetic location: 11q13.2.
Variant type: single nucleotide variant.
Coding change: c.2380G>C on transcript NM_001040716.2 (MANE Select); coding-DNA position 2380, G replaced by C.
Protein change: p.Val794Leu; replaces valine 794 with leucine.
Molecular consequence: missense variant.
Genome position (GRCh38, 1-based): chr11:66,850,767, C>G on the plus strand (G>C on the coding strand, the complement: PC is on the minus strand). VCF-style: chr11-66850767-C-G. GRCh37 (hg19) VCF-style: chr11-66618238-C-G.
Other names: c.2380G>C, p.Val794Leu (NM_000920.4, NM_022172.3); short protein forms V794L.
Identifiers: ClinVar variation 2154304 (VCV002154304.1), dbSNP rs148086243, ClinGen allele CA6131087.

ClinVar aggregate classification (germline): Uncertain significance (1 of 4 stars; one submission).

Conditions:
Pyruvate carboxylase deficiency. Also called: PC DEFICIENCY; Pyruvate Carboxylase Deficiency Disease; LEIGH NECROTIZING ENCEPHALOPATHY DUE TO PYRUVATE CARBOXYLASE DEFICIENCY; LEIGH SYNDROME DUE TO PYRUVATE CARBOXYLASE DEFICIENCY; ATAXIA WITH LACTIC ACIDOSIS II. Identifiers: Orphanet 3008, MedGen C0034341, MONDO:0009949, OMIM 266150.

Allele frequency attached by ClinVar (database versions not stated): ExAC 0.00003; gnomAD 0.00003; TOPMed 0.00003; ESP Exome Variant Server 0.00008.
gnomAD v4.1: 25 of 1,611,458 alleles (0.0016%); highest among the groups gnomAD compares: Non-Finnish European, 0.0019%; no homozygotes.

Submission:

Labcorp Genetics (formerly Invitae), Labcorp
Classification: Uncertain significance for Pyruvate carboxylase deficiency. Last evaluated: 2022-06-07. Review status: criteria provided, single submitter. Criteria: Invitae Variant Classification Sherloc (09022015). Collection method: clinical testing. Allele origin: germline.
Comment: This sequence change replaces valine, which is neutral and non-polar, with leucine, which is neutral and non-polar, at codon 794 of the PC protein (p.Val794Leu). This variant is present in population databases (rs148086243, gnomAD 0.004%). This variant has not been reported in the literature in individuals affected with PC-related conditions. Algorithms developed to predict the effect of missense changes on protein structure and function are either unavailable or do not agree on the potential impact of this missense change (SIFT: "Tolerated"; PolyPhen-2: "Possibly Damaging"; Align-GVGD: "Class C0"). In summary, the available evidence is currently insufficient to determine the role of this variant in disease. Therefore, it has been classified as a Variant of Uncertain Significance.